The following is an entry in ClinVar:

NM_001354604.2(MITF):c.545T>A (p.Met182Lys)

Gene: MITF (melanocyte inducing transcription factor; plus strand). Cytogenetic location: 3p13.
Variant type: single nucleotide variant.
Coding change: c.545T>A on transcript NM_001354604.2 (MANE Select); coding-DNA position 545, T replaced by A.
Protein change: p.Met182Lys; replaces methionine 182 with lysine.
Molecular consequence: missense variant. On other transcripts: intron variant (1).
Genome position (GRCh38, 1-based): chr3:69,938,012, T>A. VCF-style: chr3-69938012-T-A. GRCh37 (hg19) VCF-style: chr3-69987163-T-A.
Other names: c.224T>A, p.Met75Lys (NM_000248.4, NM_001184968.2, NM_198158.3); c.389T>A, p.Met130Lys (NM_001184967.2, NM_001354608.2); c.542T>A, p.Met181Lys (NM_001354605.2, NM_001354606.2, NM_006722.3); c.494T>A, p.Met165Lys (NM_001354607.2); c.545T>A, p.Met182Lys (NM_198159.3); c.497T>A, p.Met166Lys (NM_198177.3); c.93+131T>A (NM_198178.3); short protein forms M182K, M75K, M166K, M181K, M165K, M130K.
Identifiers: ClinVar variation 3396328 (VCV003396328.1).

ClinVar aggregate classification (germline): Uncertain significance (1 of 4 stars; one submission).

Conditions:
Hereditary cancer-predisposing syndrome. Also called: Hereditary Cancer Syndrome; Tumor predisposition; Hereditary neoplastic syndrome; Neoplastic Syndromes, Hereditary. Identifiers: Orphanet 140162, MedGen C0027672, MeSH D009386, MONDO:0015356.

Submission:

Ambry Genetics
Classification: Uncertain significance for Hereditary cancer-predisposing syndrome. Last evaluated: 2024-11-18. Review status: criteria provided, single submitter. Criteria: Ambry Variant Classification Scheme 2023. Collection method: clinical testing. Allele origin: germline.
Comment: The p.M75K variant (also known as c.224T>A), located in coding exon 2 of the MITF gene, results from a T to A substitution at nucleotide position 224. The methionine at codon 75 is replaced by lysine, an amino acid with similar properties. This amino acid position is conserved. In addition, this alteration is predicted to be tolerated by in silico analysis. Based on the available evidence, the clinical significance of this variant remains unclear.